The following is an entry in ClinVar:

ClinVar aggregate classification (germline): Uncertain significance. Review status: criteria provided, multiple submitters, no conflicts (2 of 4 stars). 4 submissions from 4 submitters: Uncertain significance (4). Last evaluated 2024-11-25.

Conditions:
Inborn genetic diseases. Identifiers: MedGen C0950123, MeSH D030342.

Allele frequency attached by ClinVar (database versions not stated): gnomAD exomes 0.00004 and 0.00011; ExAC 0.00012; ESP Exome Variant Server 0.00031; gnomAD 0.00042 and 0.00044; TOPMed 0.00047; 1000 Genomes Project 0.00060; 1000 Genomes Project 30x 0.00078.
gnomAD v4.1: 117 of 1,614,076 alleles (0.0072%); highest among the groups gnomAD compares: African/African-American, 0.13%; no homozygotes.

Submissions (4):

Blueprint Genetics
Classification: Uncertain significance. Last evaluated: 2024-11-25. Review status: criteria provided, single submitter. Criteria: ACMG Guidelines, 2015. Collection method: clinical testing. Allele origin: germline.

Labcorp Genetics (formerly Invitae), Labcorp
Classification: Uncertain significance. Last evaluated: 2024-01-29. Review status: criteria provided, single submitter. Criteria: Invitae Variant Classification Sherloc (09022015). Collection method: clinical testing. Allele origin: germline.
Comment: This sequence change replaces tyrosine, which is neutral and polar, with cysteine, which is neutral and slightly polar, at codon 3199 of the FAT4 protein (p.Tyr3199Cys). This variant is present in population databases (rs115895451, gnomAD 0.1%). This variant has not been reported in the literature in individuals affected with FAT4-related conditions. ClinVar contains an entry for this variant (Variation ID: 373340). An algorithm developed to predict the effect of missense changes on protein structure and function (PolyPhen-2) suggests that this variant is likely to be disruptive. In summary, the available evidence is currently insufficient to determine the role of this variant in disease. Therefore, it has been classified as a Variant of Uncertain Significance.

Ambry Genetics
Classification: Uncertain significance for Inborn genetic diseases. Last evaluated: 2021-06-11. Review status: criteria provided, single submitter. Criteria: Ambry Variant Classification Scheme 2023. Collection method: clinical testing. Allele origin: germline.

GeneDx
Classification: Uncertain significance. Last evaluated: 2016-11-29. Review status: criteria provided, single submitter. Criteria: GeneDx Variant Classification (06012015). Collection method: clinical testing. Allele origin: germline. Affected: yes.
Comment: The Y3199C variant in the FAT4 gene has not been reported previously as a pathogenic variant, nor as a benign variant, to our knowledge. This variant was not observed with significant frequency in approximately 6,500 individuals of European and African American ancestry in the NHLBI Exome Sequencing Project, indicating it is not a common benign variant in these populations. The Y3199C variant is a non-conservative amino acid substitution, which is likely to impact secondary protein structure as these residues differ in polarity, charge, size and/or other properties. This substitution occurs at a position that is not conserved. However, in silico analysis predicts this variant is probably damaging to the protein structure/function. Based on the currently available evidence, we interpret Y3199C as a variant of uncertain significance.

NM_001291303.3(FAT4):c.9602A>G (p.Tyr3201Cys)

Gene: FAT4 (FAT atypical cadherin 4; plus strand). Cytogenetic location: 4q28.1.
Variant type: single nucleotide variant.
Coding change: c.9602A>G on transcript NM_001291303.3 (MANE Select); coding-DNA position 9602, A replaced by G.
Protein change: p.Tyr3201Cys; replaces tyrosine 3201 with cysteine.
Molecular consequence: missense variant.
Genome position (GRCh38, 1-based): chr4:125,450,612, A>G. VCF-style: chr4-125450612-A-G. GRCh37 (hg19) VCF-style: chr4-126371767-A-G.
Other names: c.9602A>G, p.Tyr3201Cys (NM_001291285.3); c.9596A>G, p.Tyr3199Cys (NM_024582.6); short protein forms Y3199C, Y3201C.
Identifiers: ClinVar variation 373340 (VCV000373340.6), dbSNP rs115895451, ClinGen allele CA3073553.
Genomic context (GRCh38, chr4:125,450,612, plus strand): 5'-GTGTGACCGTAAATGTGATTGATGTGAATGATAATTCTCCAGTATTCCTCTCTGATGACT[A>G]TTTCCCTACTGTTTTGGAAAATGCCCCAAGTGGAACAACAGTTATCCACCTAAATGCAAC-3'
Protein context (NP_001278232.1, residues 3191-3211): DNSPVFLSDD[Tyr3201Cys]FPTVLENAPS